The following is an entry in ClinVar:

ClinVar aggregate classification (germline): Uncertain significance (1 of 4 stars; one submission).

Submission:

Labcorp Genetics (formerly Invitae), Labcorp
Classification: Uncertain significance. Last evaluated: 2022-06-27. Review status: criteria provided, single submitter. Criteria: Invitae Variant Classification Sherloc (09022015). Collection method: clinical testing. Allele origin: germline.
Comment: In summary, the available evidence is currently insufficient to determine the role of this variant in disease. Therefore, it has been classified as a Variant of Uncertain Significance. Advanced modeling of protein sequence and biophysical properties (such as structural, functional, and spatial information, amino acid conservation, physicochemical variation, residue mobility, and thermodynamic stability) performed at Invitae indicates that this missense variant is not expected to disrupt COL4A1 protein function. This variant has not been reported in the literature in individuals affected with COL4A1-related conditions. This variant is not present in population databases (gnomAD no frequency). This sequence change replaces methionine, which is neutral and non-polar, with isoleucine, which is neutral and non-polar, at codon 707 of the COL4A1 protein (p.Met707Ile).

NM_001845.6(COL4A1):c.2121G>A (p.Met707Ile)

Gene: COL4A1 (collagen type IV alpha 1 chain; minus strand). Cytogenetic location: 13q34.
Variant type: single nucleotide variant.
Coding change: c.2121G>A on transcript NM_001845.6 (MANE Select); coding-DNA position 2121, G replaced by A.
Protein change: p.Met707Ile; replaces methionine 707 with isoleucine.
Molecular consequence: missense variant.
Genome position (GRCh38, 1-based): chr13:110,181,364, C>T on the plus strand (G>A on the coding strand, the complement: COL4A1 is on the minus strand). VCF-style: chr13-110181364-C-T. GRCh37 (hg19) VCF-style: chr13-110833711-C-T.
Other names: short protein forms M707I.
Identifiers: ClinVar variation 2011478 (VCV002011478.4), dbSNP rs2501788033, ClinGen allele CA388668976.
Genomic context (GRCh38, chr13:110,181,364, plus strand): 5'-CACACCTGGGTTCCCAGGTAAGCCATTAAATCCCGGGCGACCTGGAGTCCCCGGTGGCCC[C>T]ATGTCTCCAGGTAAGCCGTCAACACCTGTTTTAAAGAGTCAAAAAAAAAAAACAAACAAA-3'
Protein context (NP_001836.3, residues 697-717): PKGVDGLPGD[Met707Ile]GPPGTPGRPG